The following is an entry in ClinVar:

ClinVar aggregate classification (germline): Uncertain significance (1 of 4 stars; one submission).

gnomAD v4.1: 2 of 1,613,946 alleles (0.00012%); highest among the groups gnomAD compares: Middle Eastern, 0.017%; no homozygotes.

Submission:

Ambry Genetics
Classification: Uncertain significance. Last evaluated: 2024-05-08. Review status: criteria provided, single submitter. Criteria: Ambry Variant Classification Scheme 2023. Collection method: clinical testing. Allele origin: germline.
Comment: The p.H306Y variant (also known as c.916C>T), located in coding exon 6 of the BUB3 gene, results from a C to T substitution at nucleotide position 916. The histidine at codon 306 is replaced by tyrosine, an amino acid with similar properties. This amino acid position is conserved. In addition, the in silico prediction for this alteration is inconclusive. Based on the available evidence, the clinical significance of this variant remains unclear.

NM_004725.4(BUB3):c.916C>T (p.His306Tyr)

Gene: BUB3 (BUB3 mitotic checkpoint protein; plus strand). Cytogenetic location: 10q26.13.
Variant type: single nucleotide variant.
Coding change: c.916C>T on transcript NM_004725.4 (MANE Select); coding-DNA position 916, C replaced by T.
Protein change: p.His306Tyr; replaces histidine 306 with tyrosine.
Molecular consequence: missense variant.
Genome position (GRCh38, 1-based): chr10:123,162,773, C>T. VCF-style: chr10-123162773-C-T. GRCh37 (hg19) VCF-style: chr10-124922289-C-T.
Other names: c.916C>T, p.His306Tyr (NM_001007793.3); short protein forms H306Y.
Identifiers: ClinVar variation 3262306 (VCV003262306.1).